The following is an entry in ClinVar:

NM_024649.5(BBS1):c.771del (p.Phe257fs)

Genes: BBS1 (Bardet-Biedl syndrome 1; plus strand), ZDHHC24 (zDHHC palmitoyltransferase 24; minus strand). Cytogenetic location: 11q13.2.
Variant type: Deletion.
Coding change: c.771del on transcript NM_024649.5 (MANE Select); coding-DNA position 771, one base deleted (T; older notation c.771delT).
Protein change: p.Phe257fs; shifts the reading frame from phenylalanine 257.
Molecular consequence: frameshift variant. On other transcripts: 3 prime UTR variant (1).
Genome position (GRCh38, 1-based): chr11:66,521,317, T deleted; the last of 3 consecutive T bases (chr11:66,521,315-66,521,317); deleting any one gives the same sequence. VCF-style (leftmost placement, unchanged base first): chr11-66521314-GT-G. GRCh37 (hg19) VCF-style: chr11-66288785-GT-G.
Other names: c.*173del (NM_001348571.2); short protein forms F257fs.
Identifiers: ClinVar variation 5015055 (VCV005015055.1).

ClinVar aggregate classification (germline): Pathogenic (1 of 4 stars; one submission).

Conditions:
Bardet-Biedl syndrome 1 (BBS1). Identifiers: MedGen C2936862, MONDO:0008854, OMIM 209900. Disease mechanism: loss of function.

Submission:

Myriad Genetics, Inc.
Classification: Pathogenic for Bardet-Biedl syndrome 1. Last evaluated: 2025-10-05. Review status: criteria provided, single submitter. Criteria: Myriad Autosomal Dominant, Autosomal Recessive and X-Linked Classification Criteria (2023). Collection method: clinical testing. Allele origin: unknown.
Comment: NM_024649.4(BBS1):c.771delT(F257Lfs*19) is expected to be pathogenic in the context of Bardet-Biedl syndrome, BBS1-related. This variant is predicted to lead to an abnormal or absent protein product due to the creation of a premature termination codon in BBS1, a gene where loss-of-function variants are known to be pathogenic. Please note: this variant was assessed in the context of healthy population screening.